The following is an entry in ClinVar:

NM_015261.3(NCAPD3):c.348C>T (p.Ala116=)

Gene: NCAPD3 (non-SMC condensin II complex subunit D3; minus strand). Cytogenetic location: 11q25.
Variant type: single nucleotide variant.
Coding change: c.348C>T on transcript NM_015261.3 (MANE Select); coding-DNA position 348, C replaced by T.
Protein change: p.Ala116=; no amino-acid change (alanine 116 retained).
Molecular consequence: synonymous variant. On other transcripts: 5 prime UTR variant (1), intron variant (1).
Genome position (GRCh38, 1-based): chr11:134,216,970, G>A on the plus strand (C>T on the coding strand, the complement: NCAPD3 is on the minus strand). VCF-style: chr11-134216970-G-A. GRCh37 (hg19) VCF-style: chr11-134086864-G-A.
Other names: c.348C>T, p.Ala116= (NM_001372065.1, NM_001372068.1); c.-67C>T (NM_001372070.1); c.-33+3602C>T (NM_001372069.1).
Identifiers: ClinVar variation 4980985 (VCV004980985.2).
Genomic context (GRCh38, chr11:134,216,970, plus strand): 5'-TATCCTATCATATCAGGTCTACATACCTGGTACTTCTAGTAGCAAAAAGTAAAGCCCAGC[G>A]GCATGAAGGCCATATTCTCGATACTGTACACTGACATTCTTCTTATGAACTATTTGAACA-3'
Protein context (NP_056076.1, residues 106-126): SVQYREYGLH[Ala116=]AGLYFLLLEV

ClinVar aggregate classification (germline): Likely benign. Review status: criteria provided, multiple submitters, no conflicts (2 of 4 stars). 2 submissions from 2 submitters: Likely benign (2). Last evaluated 2026-07-01.

Conditions:
NCAPD3-related disorder. Also called: NCAPD3-related condition.

gnomAD v4.1: 63 of 1,613,052 alleles (0.0039%); highest among the groups gnomAD compares: Admixed American, 0.02%; no homozygotes.

Submissions (2):

CeGaT Center for Human Genetics Tuebingen
Classification: Likely benign. Last evaluated: 2026-07-01. Review status: criteria provided, single submitter. Criteria: CeGaT Center For Human Genetics Tuebingen Variant Classification Criteria Version 2. Collection method: clinical testing. Allele origin: germline. Affected: yes. Observed: 1 variant allele.
Comment: NCAPD3: BP4, BP7

PreventionGenetics, part of Exact Sciences
Classification: Likely benign for NCAPD3-related condition. Last evaluated: 2025-07-18. Review status: criteria provided, single submitter. Criteria: ACMG Guidelines, 2015. Collection method: clinical testing. Allele origin: germline.
Comment: This variant is classified as likely benign based on ACMG/AMP sequence variant interpretation guidelines (Richards et al. 2015 PMID: 25741868, with internal and published modifications).